The following is an entry in ClinVar:

ClinVar aggregate classification (germline): Uncertain significance. Review status: criteria provided, multiple submitters, no conflicts (2 of 4 stars). 2 submissions from 2 submitters: Uncertain significance (2). Last evaluated 2025-01-19.

Conditions:
Inborn genetic diseases. Identifiers: MedGen C0950123, MeSH D030342.

Allele frequency attached by ClinVar (database versions not stated): gnomAD 0.00001; gnomAD exomes 0.00001; TOPMed 0.00003.

Submissions (2):

Labcorp Genetics (formerly Invitae), Labcorp
Classification: Uncertain significance. Last evaluated: 2025-01-19. Review status: criteria provided, single submitter. Criteria: Invitae Variant Classification Sherloc (09022015). Collection method: clinical testing. Allele origin: germline.
Comment: This sequence change replaces arginine, which is basic and polar, with tryptophan, which is neutral and slightly polar, at codon 717 of the ZSWIM6 protein (p.Arg717Trp). This variant is present in population databases (no rsID available, gnomAD 0.01%). This variant has not been reported in the literature in individuals affected with ZSWIM6-related conditions. ClinVar contains an entry for this variant (Variation ID: 1398646). Invitae Evidence Modeling of protein sequence and biophysical properties (such as structural, functional, and spatial information, amino acid conservation, physicochemical variation, residue mobility, and thermodynamic stability) indicates that this missense variant is not expected to disrupt ZSWIM6 protein function with a negative predictive value of 80%. In summary, the available evidence is currently insufficient to determine the role of this variant in disease. Therefore, it has been classified as a Variant of Uncertain Significance.

Ambry Genetics
Classification: Uncertain significance for Inborn genetic diseases. Last evaluated: 2023-11-20. Review status: criteria provided, single submitter. Criteria: Ambry Variant Classification Scheme 2023. Collection method: clinical testing. Allele origin: germline.

NM_020928.2(ZSWIM6):c.2149C>T (p.Arg717Trp)

Gene: ZSWIM6 (zinc finger SWIM-type containing 6; plus strand). Cytogenetic location: 5q12.1.
Variant type: single nucleotide variant.
Coding change: c.2149C>T on transcript NM_020928.2 (MANE Select); coding-DNA position 2149, C replaced by T.
Protein change: p.Arg717Trp; replaces arginine 717 with tryptophan.
Molecular consequence: missense variant.
Genome position (GRCh38, 1-based): chr5:61,531,629, C>T. VCF-style: chr5-61531629-C-T. GRCh37 (hg19) VCF-style: chr5-60827456-C-T.
Other names: c.2149C>T (NM_020928.1); short protein forms R717W.
Identifiers: ClinVar variation 1398646 (VCV001398646.9), dbSNP rs894571955, ClinGen allele CA119663036.
Genomic context (GRCh38, chr5:61,531,629, plus strand): 5'-ATAGGGCTAGGACAGCAGCGTATCATGCCTGATGGGCTGTACACACAAGAGAAAGTTTGC[C>T]GGAATGAGGAGCAGCTCATTTCTAAGCTTCAGGAAATTGAATTGGATGACACACTGGTGA-3'
Protein context (NP_065979.1, residues 707-727): DGLYTQEKVC[Arg717Trp]NEEQLISKLQ